The following is an entry in ClinVar:

NM_000059.4(BRCA2):c.6298C>T (p.Gln2100Ter)

Gene: BRCA2 (BRCA2 DNA repair associated; plus strand). Cytogenetic location: 13q13.1.
Variant type: single nucleotide variant.
Coding change: c.6298C>T on transcript NM_000059.4 (MANE Select); coding-DNA position 6298, C replaced by T.
Protein change: p.Gln2100Ter; replaces glutamine 2100 with a stop codon.
Molecular consequence: nonsense.
Genome position (GRCh38, 1-based): chr13:32,340,653, C>T. VCF-style: chr13-32340653-C-T. GRCh37 (hg19) VCF-style: chr13-32914790-C-T.
Other names: short protein forms Q2100*.
Identifiers: ClinVar variation 449867 (VCV000449867.8), dbSNP rs746661607, ClinGen allele CA387789022.

ClinVar aggregate classification (germline): Pathogenic/Likely pathogenic. Review status: criteria provided, multiple submitters, no conflicts (2 of 4 stars). 5 submissions from 5 submitters: Pathogenic (4); Likely pathogenic (1). Last evaluated 2026-10-26.

Conditions:
Hereditary cancer-predisposing syndrome. Also called: Tumor predisposition; Neoplastic Syndromes, Hereditary; Hereditary Cancer Syndrome; Hereditary neoplastic syndrome. Identifiers: Orphanet 140162, MedGen C0027672, MeSH D009386, MONDO:0015356.
BRCA2-related disorder. Also called: BRCA2-related condition; BRCA2-related disorders. Identifiers: MedGen CN239275.
Hereditary breast ovarian cancer syndrome. Also called: Hereditary breast and ovarian cancer; BRCA1- and BRCA2-Associated Hereditary Breast and Ovarian Cancer; Hereditary breast and ovarian cancer syndrome; Hereditary breast and ovarian cancer syndrome (HBOC); Hereditary breast and/or ovarian cancer syndrome; Breast and ovarian cancer. Identifiers: Orphanet 145, MedGen C0677776, MeSH D061325, MONDO:0003582. Disease mechanism: loss of function.

Submissions (5):

GeneDx
Classification: Pathogenic. Last evaluated: 2026-10-26. Review status: criteria provided, single submitter. Criteria: GeneDx Variant Classification Process June 2021. Collection method: clinical testing. Allele origin: germline.
Comment: Nonsense variant predicted to result in protein truncation or nonsense mediated decay in a gene for which loss of function is a known mechanism of disease; Truncating variants in this gene are considered pathogenic by a well-established clinical consortium and/or database; Not observed at significant frequency in large population cohorts (gnomAD); Also known as 7156C>T; This variant is associated with the following publications: (PMID: 32776218, 41372292)

Ambry Genetics
Classification: Pathogenic for Hereditary cancer-predisposing syndrome. Last evaluated: 2025-10-01. Review status: criteria provided, single submitter. Criteria: Ambry Variant Classification Scheme 2023. Collection method: clinical testing. Allele origin: germline.
Comment: The p.Q2100* pathogenic mutation (also known as c.6298C>T), located in coding exon 10 of the BRCA2 gene, results from a C to T substitution at nucleotide position 6298. This changes the amino acid from a glutamine to a stop codon within coding exon 10. This variant is considered to be rare based on population cohorts in the Genome Aggregation Database (gnomAD). This alteration is expected to result in loss of function by premature protein truncation or nonsense-mediated mRNA decay. As such, this alteration is interpreted as a disease-causing mutation.

Labcorp Genetics (formerly Invitae), Labcorp
Classification: Pathogenic for Hereditary breast ovarian cancer syndrome. Last evaluated: 2025-04-23. Review status: criteria provided, single submitter. Criteria: Invitae Variant Classification Sherloc (09022015). Collection method: clinical testing. Allele origin: germline.
Comment: This sequence change creates a premature translational stop signal (p.Gln2100*) in the BRCA2 gene. It is expected to result in an absent or disrupted protein product. Loss-of-function variants in BRCA2 are known to be pathogenic (PMID: 20104584). This variant is not present in population databases (gnomAD no frequency). This premature translational stop signal has been observed in individual(s) with breast or ovarian cancer (PMID: 32776218). ClinVar contains an entry for this variant (Variation ID: 449867). For these reasons, this variant has been classified as Pathogenic.

Color Diagnostics, LLC DBA Color Health
Classification: Pathogenic for Hereditary cancer-predisposing syndrome. Last evaluated: 2023-06-27. Review status: criteria provided, single submitter. Criteria: ACMG Guidelines, 2015. Collection method: clinical testing. Allele origin: germline.
Comment: This variant changes 1 nucleotide in exon 11 of the BRCA2 gene, creating a premature translation stop signal. This variant is expected to result in an absent or non-functional protein product. This variant has been reported in an individual affected with breast or ovarian cancer (PMID: 32776218). This variant has not been identified in the general population by the Genome Aggregation Database (gnomAD). Loss of BRCA2 function is a known mechanism of disease. Based on the available evidence, this variant is classified as Pathogenic.

Blueprint Genetics
Classification: Likely pathogenic for BRCA2-related disorders. Last evaluated: 2021-08-30. Review status: criteria provided, single submitter. Criteria: ACMG Guidelines, 2015. Collection method: clinical testing. Allele origin: germline. Affected: yes. Observed: 1 variant allele.

Literature cited by the submitters: PubMed 20104584 (cited by Labcorp Genetics (formerly Invitae), Labcorp); PubMed 32776218 (cited by Labcorp Genetics (formerly Invitae), Labcorp and Color Diagnostics, LLC DBA Color Health).